The following is an entry in ClinVar:

NM_000052.7(ATP7A):c.2408G>T (p.Gly803Val)

Gene: ATP7A (ATPase copper transporting alpha; plus strand). Cytogenetic location: Xq21.1.
Variant type: single nucleotide variant.
Coding change: c.2408G>T on transcript NM_000052.7 (MANE Select); coding-DNA position 2408, G replaced by T.
Protein change: p.Gly803Val; replaces glycine 803 with valine.
Molecular consequence: missense variant.
Genome position (GRCh38, 1-based): chrX:78,014,663, G>T. VCF-style: chrX-78014663-G-T. GRCh37 (hg19) VCF-style: chrX-77270160-G-T.
Other names: c.2174G>T, p.Gly725Val (NM_001282224.2); short protein forms G725V, G803V.
Identifiers: ClinVar variation 4882363 (VCV004882363.2).
Genomic context (GRCh38, chrX:78,014,663, plus strand): 5'-AGTTAAGACCTGAACTTTTTCTTCCTTAGCATTTTCAATGTGTTTGTTTTAATTTATAGG[G>T]CAAAACATCAGAGGCTCTTGCAAAGTTAATTTCACTACAAGCTACAGAAGCAACTATTGT-3'
Protein context (NP_000043.4, residues 793-813): LGRWLEHIAK[Gly803Val]KTSEALAKLI

ClinVar aggregate classification (germline): Uncertain significance (1 of 4 stars; one submission).

Submission:

Dasa
Classification: Uncertain significance. Last evaluated: 2025-10-23. Review status: criteria provided, single submitter. Criteria: DASA Assertion Criteria. Collection method: clinical testing. Allele origin: germline.
Comment: NM_000052.7(ATP7A):c.2408G>T (p.Gly803Val) is a missense variant that results in the substitution of glycine with valine. This variant is absent from population databases. Computational prediction algorithms are consistent with a deleterious effect. The currently available literature and clinical evidence are not sufficient to establish a definitive association between this variant and the reported condition. Therefore, this variant is classified as a variant of uncertain significance.